The following is an entry in ClinVar:

NM_001903.5(CTNNA1):c.2309C>G (p.Ser770Trp)

Gene: CTNNA1 (catenin alpha 1; plus strand). Cytogenetic location: 5q31.2.
Variant type: single nucleotide variant.
Coding change: c.2309C>G on transcript NM_001903.5 (MANE Select); coding-DNA position 2309, C replaced by G.
Protein change: p.Ser770Trp; replaces serine 770 with tryptophan.
Molecular consequence: missense variant. On other transcripts: intron variant (1).
Genome position (GRCh38, 1-based): chr5:138,932,588, C>G. VCF-style: chr5-138932588-C-G. GRCh37 (hg19) VCF-style: chr5-138268277-C-G.
Other names: c.2309C>G, p.Ser770Trp (NM_001290307.3, NM_001323982.2, NM_001323983.1 and 2 more transcripts); c.2000C>G, p.Ser667Trp (NM_001290309.3); c.1940C>G, p.Ser647Trp (NM_001290310.3); c.1199C>G, p.Ser400Trp (NM_001290312.1, NM_001323987.1, NM_001323988.1 and 16 more transcripts); c.2216C>G, p.Ser739Trp (NM_001323986.2); c.1106C>G, p.Ser369Trp (NM_001324011.1); c.956C>G, p.Ser319Trp (NM_001324012.1, NM_001324013.1); c.1189-1214C>G (NM_001324001.1); and 1 more; short protein forms S319W, S369W, S739W, S400W, S647W, S287W, S667W, S770W.
Identifiers: ClinVar variation 1996021 (VCV001996021.4), dbSNP rs2150349053, ClinGen allele CA361134292.

ClinVar aggregate classification (germline): Uncertain significance (1 of 4 stars; one submission).

Submission:

Labcorp Genetics (formerly Invitae), Labcorp
Classification: Uncertain significance. Last evaluated: 2025-02-05. Review status: criteria provided, single submitter. Criteria: Invitae Variant Classification Sherloc (09022015). Collection method: clinical testing. Allele origin: germline.
Comment: This sequence change replaces serine, which is neutral and polar, with tryptophan, which is neutral and slightly polar, at codon 770 of the CTNNA1 protein (p.Ser770Trp). This variant is not present in population databases (gnomAD no frequency). This variant has not been reported in the literature in individuals affected with CTNNA1-related conditions. ClinVar contains an entry for this variant (Variation ID: 1996021). An algorithm developed to predict the effect of missense changes on protein structure and function (PolyPhen-2) suggests that this variant is likely to be disruptive. In summary, the available evidence is currently insufficient to determine the role of this variant in disease. Therefore, it has been classified as a Variant of Uncertain Significance.